The following is an entry in ClinVar:

NM_001276379.2(LZTFL1):c.27G>A (p.Met9Ile)

Gene: LZTFL1 (leucine zipper transcription factor like 1; minus strand). Cytogenetic location: 3p21.31.
Variant type: single nucleotide variant.
Coding change: c.27G>A on transcript NM_001276379.2; coding-DNA position 27, G replaced by A.
Protein change: p.Met9Ile; replaces methionine 9 with isoleucine.
Molecular consequence: missense variant. On other transcripts: 5 prime UTR variant (4), non-coding transcript variant (1).
Genome position (GRCh38, 1-based): chr3:45,913,120, C>T on the plus strand (G>A on the coding strand, the complement: LZTFL1 is on the minus strand). VCF-style: chr3-45913120-C-T. GRCh37 (hg19) VCF-style: chr3-45954612-C-T.
Other names: c.-138G>A (NM_001276378.2, NM_001405927.1); c.27G>A, p.Met9Ile (NM_001405920.1, NM_001405921.1, NM_001405925.1); c.-177G>A (NM_001405923.1, NM_001405926.1); short protein forms M9I.
Identifiers: ClinVar variation 4984589 (VCV004984589.1).

ClinVar aggregate classification (germline): Uncertain significance (1 of 4 stars; one submission).

Conditions:
LZTFL1-related disorder. Also called: LZTFL1-related condition.

gnomAD v4.1: 17 of 1,536,054 alleles (0.0011%); highest among the groups gnomAD compares: African/African-American, 0.014%; no homozygotes.

Submission:

PreventionGenetics, part of Exact Sciences
Classification: Uncertain significance for LZTFL1-related condition. Last evaluated: 2025-03-19. Review status: criteria provided, single submitter. Criteria: ACMG Guidelines, 2015. Collection method: clinical testing. Allele origin: germline.
Comment: The LZTFL1 c.27G>A variant is predicted to result in the amino acid substitution p.Met9Ile. To our knowledge, this variant has not been reported in the literature or in a large population database (gnomAD), indicating this variant is rare. At this time, the clinical significance of this variant is uncertain due to the absence of conclusive functional and genetic evidence.